The following is an entry in ClinVar:

ClinVar aggregate classification (germline): Uncertain significance (1 of 4 stars; one submission).

gnomAD v4.1: 51 of 1,614,202 alleles (0.0032%); highest among the groups gnomAD compares: Non-Finnish European, 0.0042%; no homozygotes.

Submission:

GeneDx
Classification: Uncertain significance. Last evaluated: 2024-03-13. Review status: criteria provided, single submitter. Criteria: GeneDx Variant Classification Process June 2021. Collection method: clinical testing. Allele origin: germline. Affected: yes.
Comment: Not observed at significant frequency in large population cohorts (gnomAD); In silico analysis supports that this missense variant does not alter protein structure/function; Has not been previously published as pathogenic or benign to our knowledge

NM_001376571.1(MADD):c.3487A>T (p.Ser1163Cys)

Gene: MADD (MAP kinase activating death domain; plus strand). Cytogenetic location: 11p11.2.
Variant type: single nucleotide variant.
Coding change: c.3487A>T on transcript NM_001376571.1 (MANE Select); coding-DNA position 3487, A replaced by T.
Protein change: p.Ser1163Cys; replaces serine 1163 with cysteine.
Molecular consequence: missense variant. On other transcripts: non-coding transcript variant (7).
Genome position (GRCh38, 1-based): chr11:47,293,954, A>T. VCF-style: chr11-47293954-A-T. GRCh37 (hg19) VCF-style: chr11-47315505-A-T.
Other names: c.3244A>T, p.Ser1082Cys (NM_001135943.2, NM_001135944.2, NM_001376603.1 and 14 more transcripts); c.3487A>T, p.Ser1163Cys (NM_001376572.1, NM_001376573.1, NM_001376599.1 and 4 more transcripts); c.3433A>T, p.Ser1145Cys (NM_001376574.1, NM_001376605.1, NM_001376606.1 and 4 more transcripts); c.3427A>T, p.Ser1143Cys (NM_001376575.1, NM_001376576.1, NM_001376577.1 and 2 more transcripts); c.3400A>T, p.Ser1134Cys (NM_001376578.1); c.3373A>T, p.Ser1125Cys (NM_001376579.1, NM_001376580.1, NM_001376584.1 and 7 more transcripts); c.3358A>T, p.Ser1120Cys (NM_001376581.1, NM_001376582.1, NM_001376624.1 and 4 more transcripts); c.3325A>T, p.Ser1109Cys (NM_001376583.1); and 17 more; short protein forms S1032C, S1034C, S1048C, S1052C, S1057C, S1066C, S1075C, S1082C.
Identifiers: ClinVar variation 3373592 (VCV003373592.1).